The following is an entry in ClinVar:

ClinVar aggregate classification (germline): Uncertain significance (1 of 4 stars; one submission).

Allele frequency attached by ClinVar (database versions not stated): gnomAD exomes below 0.00001.
gnomAD v4.1: 2 of 1,614,072 alleles (0.00012%); highest among the groups gnomAD compares: Non-Finnish European, 0.00017%; no homozygotes.

Submission:

Labcorp Genetics (formerly Invitae), Labcorp
Classification: Uncertain significance. Last evaluated: 2023-12-10. Review status: criteria provided, single submitter. Criteria: Invitae Variant Classification Sherloc (09022015). Collection method: clinical testing. Allele origin: germline.
Comment: This sequence change replaces isoleucine, which is neutral and non-polar, with valine, which is neutral and non-polar, at codon 754 of the CACNA1D protein (p.Ile754Val). This variant is present in population databases (no rsID available, gnomAD 0.0009%). This variant has not been reported in the literature in individuals affected with CACNA1D-related conditions. Advanced modeling of protein sequence and biophysical properties (such as structural, functional, and spatial information, amino acid conservation, physicochemical variation, residue mobility, and thermodynamic stability) performed at Invitae indicates that this missense variant is not expected to disrupt CACNA1D protein function with a negative predictive value of 80%. In summary, the available evidence is currently insufficient to determine the role of this variant in disease. Therefore, it has been classified as a Variant of Uncertain Significance.

NM_001128840.3(CACNA1D):c.2200A>G (p.Ile734Val)

Gene: CACNA1D (calcium voltage-gated channel subunit alpha1 D; plus strand). Cytogenetic location: 3p21.1.
Variant type: single nucleotide variant.
Coding change: c.2200A>G on transcript NM_001128840.3 (MANE Select); coding-DNA position 2200, A replaced by G.
Protein change: p.Ile734Val; replaces isoleucine 734 with valine.
Molecular consequence: missense variant.
Genome position (GRCh38, 1-based): chr3:53,726,978, A>G. VCF-style: chr3-53726978-A-G. GRCh37 (hg19) VCF-style: chr3-53761005-A-G.
Other names: c.2200A>G, p.Ile734Val (NM_001128839.3); c.2260A>G, p.Ile754Val (NM_000720.4); short protein forms I754V, I734V.
Identifiers: ClinVar variation 2700549 (VCV002700549.3), dbSNP rs1461670683, ClinGen allele CA353239192.
Genomic context (GRCh38, chr3:53,726,978, plus strand): 5'-GGCATCATGGCTTACGGGGGCCCATCCTCTTCAGGAATGATCGTCTGCATCTACTTCATC[A>G]TCCTCTTCATTTGTGGTAACTGTATCCTTCAAGCCGACCAGGCTTTGTTGTTGCCGTCGT-3'
Protein context (NP_001122312.1, residues 724-744): SGMIVCIYFI[Ile734Val]LFICGNYILL